The following is an entry in ClinVar:

ClinVar aggregate classification (germline): Likely benign (1 of 4 stars; one submission).

Allele frequency attached by ClinVar (database versions not stated): 1000 Genomes Project 30x 0.00312; gnomAD 0.00732 and 0.00756; gnomAD exomes 0.00365; 1000 Genomes Project 0.00300; TOPMed 0.00712.
gnomAD v4.1: 1,087 of 149,486 alleles (0.73%); highest among the groups gnomAD compares: Non-Finnish European, 1.3%; 9 homozygotes.

Submission:

GeneDx
Classification: Likely benign. Last evaluated: 2021-05-25. Review status: criteria provided, single submitter. Criteria: GeneDx Variant Classification Process June 2021. Collection method: clinical testing. Allele origin: germline. Affected: yes.
Comment: See Variant Classification Assertion Criteria.

NC_000008.11:g.118111822A>G

Gene: EXT1 (exostosin glycosyltransferase 1; minus strand). Cytogenetic location: 8q24.11.
Variant type: single nucleotide variant.
Genome position: GRCh38 VCF-style: chr8-118111822-A-G. GRCh37 (hg19) VCF-style: chr8-119124061-A-G.
Identifiers: ClinVar variation 4813961 (VCV004813961.1), dbSNP rs555849430.
Genomic context (GRCh38, chr8:118,111,822, plus strand): 5'-CCGAGCAGCGCTTCGCAGGCCCCCGCGCGAACGCTGCCGACCGCCGCGTTCGGTCGCCGA[A>G]TGTTACCCGGTTCTGAATGTTACACTTACACATTCCATTCCCGACACGACAGCGCTGACC-3'